The following is an entry in ClinVar:

NM_001042492.3(NF1):c.60+508G>T

Gene: NF1 (neurofibromin 1; plus strand). Cytogenetic location: 17q11.2.
Variant type: single nucleotide variant.
Coding change: c.60+508G>T on transcript NM_001042492.3 (MANE Select); 508 bases into the intron after coding-DNA position 60, G replaced by T.
Molecular consequence: intron variant.
Genome position (GRCh38, 1-based): chr17:31,095,877, G>T. VCF-style: chr17-31095877-G-T. GRCh37 (hg19) VCF-style: chr17-29422895-G-T.
Other names: c.60+508G>T (NM_000267.4, NM_001128147.3).
Identifiers: ClinVar variation 4876212 (VCV004876212.1).
Genomic context (GRCh38, chr17:31,095,877, plus strand): 5'-CCCTAAGGCCTGTCTTATATACCCTCAATAGGAGAACGATAACATTCCGCCCCTCCCCCA[G>T]TTTCTTCAGCTTCCTCTCCTGGAGGGGGAAGAGCAGAAGAAAGCAAGGAAGGCACAGGTT-3'

ClinVar aggregate classification (germline): Likely pathogenic (1 of 4 stars; one submission).

Conditions:
Neurofibromatosis, type 1 (NF1). Also called: NEUROFIBROMATOSIS, TYPE I, SOMATIC; Neurofibromatosis, type I; VON RECKLINGHAUSEN DISEASE; Peripheral type neurofibromatosis. Identifiers: Orphanet 636, MedGen C0027831, MONDO:0018975, OMIM 162200. Disease mechanism: loss of function.

Submission:

Laboratory of Functional Genomics, Research Centre for Medical Genetics
Classification: Likely pathogenic for Neurofibromatosis, type 1. Review status: criteria provided, single submitter. Criteria: ACMG Guidelines, 2015. Collection method: clinical testing. Allele origin: de novo. Inheritance: Autosomal dominant inheritance. Affected: yes. Observed: 1 variant allele, 1 heterozygote.
Comment: This variant is absent from the gnomAD population database. SpliceAI predicts the creation of a acceptor splice site. RNA analysis demonstrated that the variant leads to pseudoexon inclusion with using of 3 different donor sites, resulting in 2 events: 16 aminoacids inclusion (NM_000267.3(NP_000258.1):p.(Pro22_Ile23insLeuLeuGluGlyGluGluGlnLysLysAlaArgLysAlaGlnLeuPro)) or frameshift with preterminal stop-codon formation (NM_000267.3(NP_000258.1):p.(Ile23LeufsTer68). Based on the available evidence, the variant can be classified as likely pathogenic (PM2, PS3).